The following is an entry in ClinVar:

ClinVar aggregate classification (germline): Conflicting classifications of pathogenicity. Review status: criteria provided, conflicting classifications (1 of 4 stars). 2 submissions from 2 submitters: Uncertain significance (1); Likely benign (1). Last evaluated 2025-09-10.

Conditions:
Spermatogenic failure 18. Identifiers: MedGen C4539783, MONDO:0054615, OMIM 617576.
Ciliary dyskinesia, primary, 37 (CILD37). Also called: CILIARY DYSKINESIA, PRIMARY, 37, WITH OR WITHOUT SITUS INVERSUS. Identifiers: MedGen C4539798, MONDO:0033204, OMIM 617577.

gnomAD v4.1: 27 of 1,612,858 alleles (0.0017%); highest among the groups gnomAD compares: South Asian, 0.0033%; no homozygotes.

Submissions (2):

Ambry Genetics
Classification: Likely benign. Last evaluated: 2025-09-10. Review status: criteria provided, single submitter. Criteria: Ambry Variant Classification Scheme 2023. Collection method: clinical testing. Allele origin: germline.

Labcorp Genetics (formerly Invitae), Labcorp
Classification: Uncertain significance for Ciliary dyskinesia, primary, 37; Spermatogenic failure 18. Last evaluated: 2025-06-30. Review status: criteria provided, single submitter. Criteria: Invitae Variant Classification Sherloc (09022015). Collection method: clinical testing. Allele origin: germline.
Comment: This sequence change replaces alanine, which is neutral and non-polar, with threonine, which is neutral and polar, at codon 162 of the DNAH1 protein (p.Ala162Thr). The frequency data for this variant in the population databases is considered unreliable, as metrics indicate poor data quality at this position in the gnomAD database. This variant has not been reported in the literature in individuals affected with DNAH1-related conditions. ClinVar contains an entry for this variant (Variation ID: 3762124). An algorithm developed to predict the effect of missense changes on protein structure and function outputs the following: PolyPhen-2: "Benign". The threonine amino acid residue is found in multiple mammalian species, which suggests that this missense change does not adversely affect protein function. In summary, the available evidence is currently insufficient to determine the role of this variant in disease. Therefore, it has been classified as a Variant of Uncertain Significance.

NM_015512.5(DNAH1):c.484G>A (p.Ala162Thr)

Gene: DNAH1 (dynein axonemal heavy chain 1; plus strand). Cytogenetic location: 3p21.1.
Variant type: single nucleotide variant.
Coding change: c.484G>A on transcript NM_015512.5 (MANE Select); coding-DNA position 484, G replaced by A.
Protein change: p.Ala162Thr; replaces alanine 162 with threonine.
Molecular consequence: missense variant.
Genome position (GRCh38, 1-based): chr3:52,326,217, G>A. VCF-style: chr3-52326217-G-A. GRCh37 (hg19) VCF-style: chr3-52360233-G-A.
Other names: c.484G>A (NM_015512.4); short protein forms A162T.
Identifiers: ClinVar variation 3762124 (VCV003762124.3).